The following is an entry in ClinVar:

NM_001123385.2(BCOR):c.2422C>T (p.Leu808Phe)

Gene: BCOR (BCL6 corepressor; minus strand). Cytogenetic location: Xp11.4.
Variant type: single nucleotide variant.
Coding change: c.2422C>T on transcript NM_001123385.2 (MANE Select); coding-DNA position 2422, C replaced by T.
Protein change: p.Leu808Phe; replaces leucine 808 with phenylalanine.
Molecular consequence: missense variant.
Genome position (GRCh38, 1-based): chrX:40,072,924, G>A on the plus strand (C>T on the coding strand, the complement: BCOR is on the minus strand). VCF-style: chrX-40072924-G-A. GRCh37 (hg19) VCF-style: chrX-39932177-G-A.
Other names: c.2422C>T, p.Leu808Phe (NM_001123383.2, NM_001123384.2, NM_017745.6); short protein forms L808F.
Identifiers: ClinVar variation 2304898 (VCV002304898.3), dbSNP rs1459369528, ClinGen allele CA412742859.

ClinVar aggregate classification (germline): Conflicting classifications of pathogenicity. Review status: criteria provided, conflicting classifications (1 of 4 stars). 2 submissions from 2 submitters: Uncertain significance (1); Likely benign (1). Last evaluated 2025-07-06.

Conditions:
Inborn genetic diseases. Identifiers: MedGen C0950123, MeSH D030342.
Oculofaciocardiodental syndrome (MCOPS2). Identifiers: Orphanet 2712, MedGen C1846265, MONDO:0010261, OMIM 300166.

Submissions (2):

Labcorp Genetics (formerly Invitae), Labcorp
Classification: Uncertain significance for Oculofaciocardiodental syndrome. Last evaluated: 2025-07-06. Review status: criteria provided, single submitter. Criteria: Invitae Variant Classification Sherloc (09022015). Collection method: clinical testing. Allele origin: germline.
Comment: This sequence change replaces leucine, which is neutral and non-polar, with phenylalanine, which is neutral and non-polar, at codon 808 of the BCOR protein (p.Leu808Phe). This variant is present in population databases (no rsID available, gnomAD 0.02%). This variant has not been reported in the literature in individuals affected with BCOR-related conditions. ClinVar contains an entry for this variant (Variation ID: 2304898). An algorithm developed to predict the effect of missense changes on protein structure and function (PolyPhen-2) suggests that this variant is likely to be tolerated. In summary, the available evidence is currently insufficient to determine the role of this variant in disease. Therefore, it has been classified as a Variant of Uncertain Significance.

Ambry Genetics
Classification: Likely benign for Inborn genetic diseases. Last evaluated: 2022-08-02. Review status: criteria provided, single submitter. Criteria: Ambry Variant Classification Scheme 2023. Collection method: clinical testing. Allele origin: germline.